The following is an entry in ClinVar:

ClinVar aggregate classification (germline): Pathogenic (1 of 4 stars; one submission).

Conditions:
Cystinuria (CSNU). Also called: CYSTINURIA, TYPE I; CYSTINURIA, TYPE II; CYSTINURIA, TYPE III; Cystinuria, non-type I. Identifiers: Orphanet 214, MedGen C0010691, MONDO:0009067, OMIM 220100, HP:0003131.

Submission:

Labcorp Genetics (formerly Invitae), Labcorp
Classification: Pathogenic for Cystinuria. Last evaluated: 2022-01-11. Review status: criteria provided, single submitter. Criteria: Invitae Variant Classification Sherloc (09022015). Collection method: clinical testing. Allele origin: germline.
Comment: For these reasons, this variant has been classified as Pathogenic. Algorithms developed to predict the effect of missense changes on protein structure and function are either unavailable or do not agree on the potential impact of this missense change (SIFT: "Deleterious"; PolyPhen-2: "Probably Damaging"; Align-GVGD: "Class C0"). This missense change has been observed in individual(s) with clinical features of cystinuria (Invitae). This variant is not present in population databases (gnomAD no frequency). This sequence change replaces proline, which is neutral and non-polar, with arginine, which is basic and polar, at codon 213 of the SLC3A1 protein (p.Pro213Arg).

NM_000341.4(SLC3A1):c.638C>G (p.Pro213Arg)

Gene: SLC3A1 (solute carrier family 3 member 1; plus strand). Cytogenetic location: 2p21.
Variant type: single nucleotide variant.
Coding change: c.638C>G on transcript NM_000341.4 (MANE Select); coding-DNA position 638, C replaced by G.
Protein change: p.Pro213Arg; replaces proline 213 with arginine.
Molecular consequence: missense variant.
Genome position (GRCh38, 1-based): chr2:44,281,414, C>G. VCF-style: chr2-44281414-C-G. GRCh37 (hg19) VCF-style: chr2-44508553-C-G.
Other names: short protein forms P213R.
Identifiers: ClinVar variation 1508324 (VCV001508324.6), dbSNP rs369603431, ClinGen allele CA46490957.